The following is an entry in ClinVar:

NM_198129.4(LAMA3):c.7658dup (p.Ser2554fs)

Gene: LAMA3 (laminin subunit alpha 3; plus strand). Cytogenetic location: 18q11.2.
Variant type: Duplication.
Coding change: c.7658dup on transcript NM_198129.4 (MANE Select); coding-DNA position 7658, one base duplicated (T; older notation c.7658dupT).
Protein change: p.Ser2554fs; shifts the reading frame from serine 2554.
Molecular consequence: frameshift variant.
Genome position (GRCh38, 1-based): chr18:23,915,302, T duplicated. VCF-style (leftmost placement, unchanged base first): chr18-23915301-C-CT. GRCh37 (hg19) VCF-style: chr18-21495265-C-CT.
Other names: c.2831dup, p.Ser945fs (NM_000227.6); c.7490dup, p.Ser2498fs (NM_001127717.4); c.2663dup, p.Ser889fs (NM_001127718.4); short protein forms S2554fs, S889fs, S945fs, S2498fs.
Identifiers: ClinVar variation 2842442 (VCV002842442.3), dbSNP rs1212999117, ClinGen allele CA777728800.

ClinVar aggregate classification (germline): Pathogenic (1 of 4 stars; one submission).

Allele frequency attached by ClinVar (database versions not stated): TOPMed below 0.00001; gnomAD 0.00001.

Submission:

Labcorp Genetics (formerly Invitae), Labcorp
Classification: Pathogenic. Last evaluated: 2023-03-03. Review status: criteria provided, single submitter. Criteria: Invitae Variant Classification Sherloc (09022015). Collection method: clinical testing. Allele origin: germline.
Comment: For these reasons, this variant has been classified as Pathogenic. This sequence change creates a premature translational stop signal (p.Ser945Lysfs*10) in the LAMA3 gene. It is expected to result in an absent or disrupted protein product. Loss-of-function variants in LAMA3 are known to be pathogenic (PMID: 10366601, 11810295, 12915477, 16473856, 17362460, 22434185, 23869449, 27827380, 28087116). This variant is not present in population databases (gnomAD no frequency). This variant has not been reported in the literature in individuals affected with LAMA3-related conditions.

Literature cited by the submitters: PubMed 10366601; PubMed 11810295; PubMed 12915477; PubMed 16473856; PubMed 17362460; PubMed 22434185; PubMed 23869449; PubMed 27827380; PubMed 28087116.